The following is an entry in ClinVar:

ClinVar aggregate classification (germline): Benign. Review status: criteria provided, multiple submitters, no conflicts (2 of 4 stars). 2 submissions from 2 submitters: Benign (2). Last evaluated 2019-01-09.

Allele frequency attached by ClinVar (database versions not stated): ESP Exome Variant Server 0.00231; gnomAD exomes 0.00584 and 0.01613; gnomAD 0.00781 and 0.00824; TOPMed 0.01157; ExAC 0.01311; 1000 Genomes Project 0.01418; 1000 Genomes Project 30x 0.01577.
gnomAD v4.1: 9,748 of 1,613,782 alleles (0.6%); highest among the groups gnomAD compares: Admixed American, 7.7%; 273 homozygotes.

Submissions (2):

GeneDx
Classification: Benign. Last evaluated: 2019-01-09. Review status: criteria provided, single submitter. Criteria: GeneDx Variant Classification Process June 2021. Collection method: clinical testing. Allele origin: germline. Affected: yes.
Comment: This variant is associated with the following publications: (PMID: 29618362)

Breakthrough Genomics
Classification: Benign. Review status: criteria provided, single submitter. Criteria: ACMG Guidelines, 2015. Collection method: not provided. Allele origin: germline. Inheritance: Autosomal dominant inheritance. Affected: yes.

NM_001378328.1(CELSR1):c.3055G>T (p.Ala1019Ser)

Gene: CELSR1 (cadherin EGF LAG seven-pass G-type receptor 1; minus strand). Cytogenetic location: 22q13.31.
Variant type: single nucleotide variant.
Coding change: c.3055G>T on transcript NM_001378328.1 (MANE Select); coding-DNA position 3055, G replaced by T.
Protein change: p.Ala1019Ser; replaces alanine 1019 with serine.
Molecular consequence: missense variant.
Genome position (GRCh38, 1-based): chr22:46,534,116, C>A on the plus strand (G>T on the coding strand, the complement: CELSR1 is on the minus strand). VCF-style: chr22-46534116-C-A. GRCh37 (hg19) VCF-style: chr22-46930013-C-A.
Other names: c.3055G>T, p.Ala1019Ser (NM_014246.4); short protein forms A1019S.
Identifiers: ClinVar variation 1183090 (VCV001183090.3), dbSNP rs61737811, ClinGen allele CA10295103.